The following is an entry in ClinVar:

ClinVar aggregate classification (germline): Conflicting classifications of pathogenicity. Review status: criteria provided, conflicting classifications (1 of 4 stars). 7 submissions from 7 submitters: Uncertain significance (5); Likely benign (1). 1 of the submissions does not count toward it. Last evaluated 2025-05-19.

Conditions:
Hereditary breast ovarian cancer syndrome. Also called: Hereditary breast and ovarian cancer syndrome; Hereditary breast and ovarian cancer; Hereditary breast and ovarian cancer syndrome (HBOC); Breast and ovarian cancer; Hereditary breast and/or ovarian cancer syndrome; BRCA1- and BRCA2-Associated Hereditary Breast and Ovarian Cancer. Identifiers: Orphanet 145, MedGen C0677776, MeSH D061325, MONDO:0003582. Disease mechanism: loss of function.
Breast-ovarian cancer, familial, susceptibility to, 2 (BROVCA2). Also called: BRCA2 Hereditary Breast and Ovarian Cancer. Identifiers: Orphanet 145, MedGen C2675520, MONDO:0012933, OMIM 612555. Disease mechanism: loss of function.
Hereditary cancer-predisposing syndrome. Also called: Neoplastic Syndromes, Hereditary; Tumor predisposition; Hereditary Cancer Syndrome; Hereditary neoplastic syndrome. Identifiers: Orphanet 140162, MedGen C0027672, MeSH D009386, MONDO:0015356.

gnomAD v4.1: 3 of 1,575,060 alleles (0.00019%); highest among the groups gnomAD compares: Admixed American, 0.0017%; no homozygotes.

Submissions (7):

Labcorp Genetics (formerly Invitae), Labcorp
Classification: Uncertain significance for Hereditary breast ovarian cancer syndrome. Last evaluated: 2025-05-19. Review status: criteria provided, single submitter. Criteria: Invitae Variant Classification Sherloc (09022015). Collection method: clinical testing. Allele origin: germline.
Comment: This sequence change replaces leucine, which is neutral and non-polar, with proline, which is neutral and non-polar, at codon 139 of the BRCA2 protein (p.Leu139Pro). This variant is not present in population databases (gnomAD no frequency). This missense change has been observed in individual(s) with breast cancer (PMID: 21218378). ClinVar contains an entry for this variant (Variation ID: 51609). Invitae Evidence Modeling of protein sequence and biophysical properties (such as structural, functional, and spatial information, amino acid conservation, physicochemical variation, residue mobility, and thermodynamic stability) indicates that this missense variant is not expected to disrupt BRCA2 protein function with a negative predictive value of 95%. In summary, the available evidence is currently insufficient to determine the role of this variant in disease. Therefore, it has been classified as a Variant of Uncertain Significance.

Myriad Genetics, Inc.
Classification: Likely benign for Breast-ovarian cancer, familial, susceptibility to, 2. Last evaluated: 2024-10-17. Review status: criteria provided, single submitter. Criteria: Myriad Autosomal Dominant, Autosomal Recessive and X-Linked Classification Criteria (2023). Collection method: clinical testing. Allele origin: unknown.
Comment: This variant is considered likely benign. This variant is strongly associated with less severe personal and family histories of cancer, typical for individuals without pathogenic variants in this gene [PMID: 25085752].

Women's Health and Genetics/Laboratory Corporation of America, LabCorp
Classification: Uncertain significance. Last evaluated: 2024-08-27. Review status: criteria provided, single submitter. Criteria: LabCorp Variant Classification Summary - May 2015. Collection method: clinical testing. Allele origin: germline.
Comment: Variant summary: BRCA2 c.416T>C (p.Leu139Pro) results in a non-conservative amino acid change in the encoded protein sequence. Three of five in-silico tools predict a benign effect of the variant on protein function. The variant was absent in 249976 control chromosomes. The available data on variant occurrences in the general population are insufficient to allow any conclusion about variant significance. c.416T>C has been reported in the literature in individuals affected with Breast Cancer (e.g. Carney_2010). These report(s) do not provide unequivocal conclusions about association of the variant with Hereditary Breast And Ovarian Cancer Syndrome. To our knowledge, no experimental evidence demonstrating an impact on protein function has been reported. The following publications have been ascertained in the context of this evaluation (PMID: 21218378, 24817641). ClinVar contains an entry for this variant (Variation ID: 51609). Based on the evidence outlined above, the variant was classified as uncertain significance.

Ambry Genetics
Classification: Uncertain significance for Hereditary cancer-predisposing syndrome. Last evaluated: 2023-07-01. Review status: criteria provided, single submitter. Criteria: Ambry Variant Classification Scheme 2023. Collection method: clinical testing. Allele origin: germline.
Comment: The p.L139P variant (also known as c.416T>C and 644T>C), located in coding exon 3 of the BRCA2 gene, results from a T to C substitution at nucleotide position 416. The leucine at codon 139 is replaced by proline, an amino acid with similar properties. In a study of 273 patients undergoing BRCA1/2 testing in Hawaii, this alteration was identified in one patient with a personal and family history of breast cancer (Carney ME et al. Hawaii Med J, 2010 Nov;69:268-71). This amino acid position is not well conserved in available vertebrate species. In addition, this alteration is predicted to be tolerated by in silico analysis. Since supporting evidence is limited at this time, the clinical significance of this alteration remains unclear.

All of Us Research Program, National Institutes of Health
Classification: Uncertain significance for Breast-ovarian cancer, familial, susceptibility to, 2. Last evaluated: 2023-03-07. Review status: criteria provided, single submitter. Criteria: ACMG Guidelines, 2015. Collection method: clinical testing. Allele origin: germline. Inheritance: Autosomal dominant inheritance. Observed: 1 variant allele, 1 heterozygote.
Comment: This missense variant replaces leucine with proline at codon 139 of the BRCA2 protein. Computational prediction suggests that this variant may not impact protein structure and function (internally defined REVEL score threshold <= 0.5, PMID: 27666373). Splice site prediction tools suggest that this variant may not impact RNA splicing. To our knowledge, functional studies have not been reported for this variant. This variant has been reported in an individual with breast cancer (PMID: 21218378) and an individual in the Breast Cancer Information Core database. This variant has not been identified in the general population by the Genome Aggregation Database (gnomAD). The available evidence is insufficient to determine the role of this variant in disease conclusively. Therefore, this variant is classified as a Variant of Uncertain Significance.

This study involves interpretation of variants in research participants for the purpose of population health screening. Participant phenotype was not available at the time of variant classification. Additional details can be found in publication PMID: 35346344, PMCID: PMC8962531

Color Diagnostics, LLC DBA Color Health
Classification: Uncertain significance for Hereditary cancer-predisposing syndrome. Last evaluated: 2023-02-01. Review status: criteria provided, single submitter. Criteria: ACMG Guidelines, 2015. Collection method: clinical testing. Allele origin: germline.
Comment: This missense variant replaces leucine with proline at codon 139 of the BRCA2 protein. Computational prediction suggests that this variant may not impact protein structure and function (internally defined REVEL score threshold <= 0.5, PMID: 27666373). To our knowledge, functional studies have not been reported for this variant. This variant has been reported in an individual affected with breast cancer (PMID: 21218378). This variant has not been identified in the general population by the Genome Aggregation Database (gnomAD). The available evidence is insufficient to determine the role of this variant in disease conclusively. Therefore, this variant is classified as a Variant of Uncertain Significance.

Breast Cancer Information Core (BIC) (BRCA2)
Classification: Uncertain significance for Breast-ovarian cancer, familial 2. Last evaluated: 2003-12-23. Review status: no assertion criteria provided. Collection method: clinical testing. Allele origin: germline. Affected: yes. Observed: 1 variant allele. Not counted in ClinVar's aggregate classification.

Literature cited by the submitters: PubMed 21218378 (cited by 5 submitters); PubMed 25085752 (cited by Myriad Genetics, Inc.); PubMed 24817641 (cited by Women's Health and Genetics/Laboratory Corporation of America, LabCorp).

NM_000059.4(BRCA2):c.416T>C (p.Leu139Pro)

Gene: BRCA2 (BRCA2 DNA repair associated; plus strand). Cytogenetic location: 13q13.1.
Variant type: single nucleotide variant.
Coding change: c.416T>C on transcript NM_000059.4 (MANE Select); coding-DNA position 416, T replaced by C.
Protein change: p.Leu139Pro; replaces leucine 139 with proline.
Molecular consequence: missense variant.
Genome position (GRCh38, 1-based): chr13:32,325,175, T>C. VCF-style: chr13-32325175-T-C. GRCh37 (hg19) VCF-style: chr13-32899312-T-C.
Other names: short protein forms L139P.
Identifiers: ClinVar variation 51609 (VCV000051609.24), dbSNP rs80358660, ClinGen allele CA019660.
Genomic context (GRCh38, chr13:32,325,175, plus strand): 5'-CAGTGAAAACTAAAATGGATCAAGCAGATGATGTTTCCTGTCCACTTCTAAATTCTTGTC[T>C]TAGTGAAAGGTATGATGAAGCTATTATATTAAAATATTTAAATGAAACATTTTCCTACAT-3'
Protein context (NP_000050.3, residues 129-149): DVSCPLLNSC[Leu139Pro]SESPVVLQCT